The following is an entry in ClinVar:

NM_000261.2(MYOC):c.116A>G (p.Lys39Arg)

Gene: MYOC (myocilin; minus strand). Cytogenetic location: 1q24.3.
Variant type: single nucleotide variant.
Coding change: c.116A>G on transcript NM_000261.2 (MANE Select); coding-DNA position 116, A replaced by G.
Protein change: p.Lys39Arg; replaces lysine 39 with arginine.
Molecular consequence: missense variant.
Genome position (GRCh38, 1-based): chr1:171,652,496, T>C on the plus strand (A>G on the coding strand, the complement: MYOC is on the minus strand). VCF-style: chr1-171652496-T-C. GRCh37 (hg19) VCF-style: chr1-171621636-T-C.
Other names: NM_000261.2:c.116A>G; short protein forms K39R.
Identifiers: ClinVar variation 2442288 (VCV002442288.2), dbSNP rs2527874206, ClinGen allele CA343719729.
Genomic context (GRCh38, chr1:171,652,496, plus strand): 5'-GATTCATTGGGACTGGCCACACTGAAGGTATACTGGCATCGGCCACTCTGGTCATTGGCC[T>C]TCCTGAGCTGAGCTGTCCTGGCCCCCACATCCCACACCAGGCAGGCCAGAAGCAGCAGCT-3'
Protein context (NP_000252.1, residues 29-49): DVGARTAQLR[Lys39Arg]ANDQSGRCQY

ClinVar aggregate classification (germline): Uncertain significance (3 of 4 stars; one submission).

Conditions:
Open-angle glaucoma. Identifiers: MedGen C0017612, MONDO:0005338, HP:0012108.

Allele frequency attached by ClinVar (database versions not stated): gnomAD exomes below 0.00001.
gnomAD v4.1: 1 of 1,614,222 alleles (0.000062%); highest among the groups gnomAD compares: Non-Finnish European, 0.000085%; no homozygotes.

Submission:

ClinGen Glaucoma Variant Curation Expert Panel
Classification: Uncertain significance for Open-angle glaucoma. Last evaluated: 2025-11-12. Review status: reviewed by expert panel. Criteria: ClinGen Glaucoma ACMG Specifications V2.0.0 Approved. Collection method: curation. Allele origin: germline. Inheritance: Autosomal dominant inheritance.
Comment: The c.116A>G variant in MYOC is a missense variant predicted to cause substitution of Lysine by Arginine at amino acid 39 (p.Lys39Arg). The highest minor allele frequency of this variant was in the European (non-Finnish)) genetic ancestry group of gnomAD (v4.1.0) = 0.0000008474 (1 allele out of 1,180,044), which met the ≤ 0.0001 threshold set for PM2_Supporting in a genetic ancestry group of at least 10,000 alleles. The REVEL score = 0.087, which was within the 0.017-0.183 range for BP4_Moderate, suggesting that the variant does not impact MYOC function. There was no functional evidence predicting a damaging or benign impact of this variant on MYOC function. Only 2 segregations had been reported for primary open angle glaucoma (POAG) (PMID: 23922489), not meeting the ≥ 3 segregations required for PP1. Only 1 proband with POAG had been reported (PMID: 23922489), not meeting the ≥ 2 probands threshold required to meet PS4_Supporting. In summary, this variant met the criteria to receive a score of -1 and to be classified as a variant of uncertain significance (uncertain significance classification range -1 to 5, adapted from PMID: 32720330) for primary open angle glaucoma based on the ACMG/AMP criteria met, as specified by the ClinGen Glaucoma VCEP (v2.0.0, 5 Dec 2024): BP4_Moderate, PM2_Supporting.